The following is an entry in ClinVar:

ClinVar aggregate classification (germline): Uncertain significance (1 of 4 stars; one submission).

Conditions:
Epidermolysis bullosa simplex with nail dystrophy (EBS5D). Identifiers: MedGen C4225309, MONDO:0014661, OMIM 616487.
Epidermolysis bullosa simplex, Ogna type (EBS5A). Also called: Pidermolysis bullosa simplex 5A, Ogna type; EPIDERMOLYSIS BULLOSA SIMPLEX 5A, OGNA TYPE. Identifiers: Orphanet 79401, MedGen C0432317, MONDO:0007555, OMIM 131950.
Autosomal recessive limb-girdle muscular dystrophy type 2Q (LGMDR17). Also called: MUSCULAR DYSTROPHY, LIMB-GIRDLE, AUTOSOMAL RECESSIVE 17. Identifiers: Orphanet 254361, MedGen C3150989, MONDO:0013390, OMIM 613723.
Epidermolysis bullosa simplex 5B, with muscular dystrophy (EBS5B). Also called: EPIDERMOLYSIS BULLOSA SIMPLEX AND LIMB-GIRDLE MUSCULAR DYSTROPHY; Epidermolysis bullosa simplex with muscular dystrophy. Identifiers: Orphanet 257, MedGen C2931072, MONDO:0009181, OMIM 226670.
Epidermolysis bullosa simplex 5C, with pyloric atresia (EBS5C). Also called: PLEC-Related Epidermolysis Bullosa with Pyloric Atresia; Epidermolysis bullosa simplex with pyloric atresia; PLEC1-Related Epidermolysis Bullosa with Pyloric Atresia. Identifiers: Orphanet 158684, MedGen C2677349, MONDO:0012807, OMIM 612138.

Allele frequency attached by ClinVar (database versions not stated): gnomAD exomes 0.00001.
gnomAD v4.1: 8 of 1,612,788 alleles (0.0005%); highest among the groups gnomAD compares: Non-Finnish European, 0.00068%; no homozygotes.

Submission:

Labcorp Genetics (formerly Invitae), Labcorp
Classification: Uncertain significance for Autosomal recessive limb-girdle muscular dystrophy type 2Q; Epidermolysis bullosa simplex, Ogna type; Epidermolysis bullosa simplex with nail dystrophy; Epidermolysis bullosa simplex 5C, with pyloric atresia; Epidermolysis bullosa simplex 5B, with muscular dystrophy. Last evaluated: 2023-04-08. Review status: criteria provided, single submitter. Criteria: Invitae Variant Classification Sherloc (09022015). Collection method: clinical testing. Allele origin: germline.
Comment: In summary, the available evidence is currently insufficient to determine the role of this variant in disease. Therefore, it has been classified as a Variant of Uncertain Significance. An algorithm developed to predict the effect of missense changes on protein structure and function (PolyPhen-2) suggests that this variant is likely to be disruptive. This variant has not been reported in the literature in individuals affected with PLEC-related conditions. This variant is not present in population databases (gnomAD no frequency). This sequence change replaces proline, which is neutral and non-polar, with serine, which is neutral and polar, at codon 2788 of the PLEC protein (p.Pro2788Ser).

NM_201384.3(PLEC):c.8281C>T (p.Pro2761Ser)

Gene: PLEC (plectin; minus strand). Cytogenetic location: 8q24.3.
Variant type: single nucleotide variant.
Coding change: c.8281C>T on transcript NM_201384.3 (MANE Select); coding-DNA position 8281, C replaced by T.
Protein change: p.Pro2761Ser; replaces proline 2761 with serine.
Molecular consequence: missense variant.
Genome position (GRCh38, 1-based): chr8:143,921,540, G>A on the plus strand (C>T on the coding strand, the complement: PLEC is on the minus strand). VCF-style: chr8-143921540-G-A. GRCh37 (hg19) VCF-style: chr8-144995708-G-A.
Other names: c.8293C>T, p.Pro2765Ser (NM_201383.3); c.8362C>T, p.Pro2788Ser (NM_000445.5); c.4981C>T, p.Pro1661Ser (NM_001410941.1); c.8239C>T, p.Pro2747Ser (NM_201378.4); c.8215C>T, p.Pro2739Ser (NM_201379.3); c.8692C>T, p.Pro2898Ser (NM_201380.4); c.8185C>T, p.Pro2729Ser (NM_201381.3); c.8281C>T, p.Pro2761Ser (NM_201382.4); short protein forms P1661S, P2729S, P2739S, P2747S, P2765S, P2788S, P2898S, P2761S.
Identifiers: ClinVar variation 2939704 (VCV002939704.3), dbSNP rs2537481359, ClinGen allele CA372516624.